The following is an entry in ClinVar:

ClinVar aggregate classification (germline): Likely pathogenic (0 of 4 stars; one submission).

Conditions:
Tip-toe gait. Also called: Toe walking. Identifiers: MedGen C0427144, HP:0030051.

Allele frequency attached by ClinVar (database versions not stated): TOPMed 0.00001; gnomAD exomes below 0.00001.
gnomAD v4.1: 2 of 1,614,092 alleles (0.00012%); no homozygotes.

Submission:

Practice for Gait Abnormalities, David Pomarino, Competency Network Toe Walking C/o Practice Pomarino
Classification: Likely pathogenic for Tip-toe gait. Last evaluated: 2023-02-21. Review status: no assertion criteria provided. Collection method: clinical testing. Allele origin: germline. Affected: yes.
Comment: Myopathy refers to diseases that affect skeletal Muscles. These diseases attack muscle fibers, making muscles weak. Inherited myopathies are often caused by inheriting an abnormal gene mutation from a parent that causes the disease. Symptoms of congenital myopathies usually start at birth or in early childhood, but may not appear until the teen years or even later in adulthood. Congenital myopathies are somewhat unique compared with other inherited myopathies, as weakness typically affects all muscles and is often not progressive. Symptoms are: Muscle weakness, most commonly of upper arms and shoulders and thighs, muscle cramps, stiffness and spasms, fatigue with exertion and lack of energy. Our patients all walk on tiptoe, so they show similar symptoms. When we genetically test them with our toe walking panel, we find that around 90 per cent of them have a genetic variant that explains their toe walking. These can be assigned, for example, to the area of myopathies (such as variants of the COL6A3 gene), the area of hereditary neuropathies (such as variants of the KMT2C gene) or the area of metabolic diseases (such as variants of the PYGM gene). In a smaller group of patients with almost identical symptoms, no abnormality is found in the genes of our panel, but spastic paraplegia can be detected. In another small group of our toe walkers, no abnormalities can be detected in the genes analysed in our toe walking panel, nor do they suffer from spastic paraplegia, as is also the case with healthy children. In contrast to these, however, they show a tiptoe gait. These patients suffer from infantile cerebral palsy, in which toe walking can also be observed.

Literature cited by the submitters: PubMed 37091313.

NM_000083.3(CLCN1):c.2632G>A (p.Val878Met)

Gene: CLCN1 (chloride voltage-gated channel 1; plus strand). Cytogenetic location: 7q34.
Variant type: single nucleotide variant.
Coding change: c.2632G>A on transcript NM_000083.3 (MANE Select); coding-DNA position 2632, G replaced by A.
Protein change: p.Val878Met; replaces valine 878 with methionine.
Molecular consequence: missense variant. On other transcripts: non-coding transcript variant (1).
Genome position (GRCh38, 1-based): chr7:143,351,630, G>A. VCF-style: chr7-143351630-G-A. GRCh37 (hg19) VCF-style: chr7-143048723-G-A.
Other names: short protein forms V878M.
Identifiers: ClinVar variation 2574607 (VCV002574607.2), dbSNP rs1803407825, ClinGen allele CA369653500.